The following is an entry in ClinVar:

ClinVar aggregate classification (germline): Conflicting classifications of pathogenicity. Review status: criteria provided, conflicting classifications (1 of 4 stars). 2 submissions from 2 submitters: Uncertain significance (1); Likely benign (1). Last evaluated 2023-11-27.

Conditions:
MED13L-related disorder. Also called: MED13L-related condition.
Dextro-looped transposition of the great arteries. Also called: Dextrotransposition of the great arteries. Identifiers: Orphanet 860, MedGen C3531771, MONDO:0019443, OMIM 608808, HP:0031348.

Allele frequency attached by ClinVar (database versions not stated): gnomAD exomes below 0.00001; TOPMed below 0.00001; ExAC 0.00001.
gnomAD v4.1: 2 of 1,613,808 alleles (0.00012%); highest among the groups gnomAD compares: Admixed American, 0.0033%; no homozygotes.

Submissions (2):

Labcorp Genetics (formerly Invitae), Labcorp
Classification: Likely benign for Dextro-looped transposition of the great arteries. Last evaluated: 2023-11-27. Review status: criteria provided, single submitter. Criteria: Invitae Variant Classification Sherloc (09022015). Collection method: clinical testing. Allele origin: germline.

PreventionGenetics, part of Exact Sciences
Classification: Uncertain significance for MED13L-related condition. Last evaluated: 2022-09-06. Review status: criteria provided, single submitter. Criteria: ACMG Guidelines, 2015. Collection method: clinical testing. Allele origin: germline.
Comment: The MED13L c.3929G>A variant is predicted to result in the amino acid substitution p.Ser1310Asn. To our knowledge, this variant has not been reported in the literature. This variant is reported in 0.0058% of alleles in individuals of Latino descent in gnomAD. At this time, the clinical significance of this variant is uncertain due to the absence of conclusive functional and genetic evidence.

NM_015335.5(MED13L):c.3929G>A (p.Ser1310Asn)

Gene: MED13L (mediator complex subunit 13L; minus strand). Cytogenetic location: 12q24.21.
Variant type: single nucleotide variant.
Coding change: c.3929G>A on transcript NM_015335.5 (MANE Select); coding-DNA position 3929, G replaced by A.
Protein change: p.Ser1310Asn; replaces serine 1310 with asparagine.
Molecular consequence: missense variant.
Genome position (GRCh38, 1-based): chr12:115,991,025, C>T on the plus strand (G>A on the coding strand, the complement: MED13L is on the minus strand). VCF-style: chr12-115991025-C-T. GRCh37 (hg19) VCF-style: chr12-116428830-C-T.
Other names: c.3929G>A (NM_015335.4); short protein forms S1310N.
Identifiers: ClinVar variation 2200386 (VCV002200386.5), dbSNP rs772703700, ClinGen allele CA6810912.
Genomic context (GRCh38, chr12:115,991,025, plus strand): 5'-GTTATGATCATACCAAGATACTCCTCAAAGTAAATTTGTGTTCTGGGACACCTACCATTG[C>T]TGTGAGGCCAAGAGTGCACAGTGGCACTTCTCACCAGAGCTTCGTCCACTTTTCCACCAG-3'
Protein context (NP_056150.1, residues 1300-1320): RSATVHSWPH[Ser1310Asn]NVLDISMLSS